The following is an entry in ClinVar:

NM_024675.4(PALB2):c.2855A>T (p.Asp952Val)

Gene: PALB2 (partner and localizer of BRCA2; minus strand). Cytogenetic location: 16p12.2.
Variant type: single nucleotide variant.
Coding change: c.2855A>T on transcript NM_024675.4 (MANE Select); coding-DNA position 2855, A replaced by T.
Protein change: p.Asp952Val; replaces aspartic acid 952 with valine.
Molecular consequence: missense variant.
Genome position (GRCh38, 1-based): chr16:23,623,110, T>A on the plus strand (A>T on the coding strand, the complement: PALB2 is on the minus strand). VCF-style: chr16-23623110-T-A. GRCh37 (hg19) VCF-style: chr16-23634431-T-A.
Other names: short protein forms D952V.
Identifiers: ClinVar variation 659777 (VCV000659777.7), dbSNP rs373280855, ClinGen allele CA279533887.

ClinVar aggregate classification (germline): Uncertain significance (1 of 4 stars; one submission).

Conditions:
Familial cancer of breast. Also called: Hereditary breast cancer; hereditary breast carcinoma; BREAST CANCER, FAMILIAL. Identifiers: Orphanet 227535, MedGen C0346153, MONDO:0016419, OMIM 114480. Disease mechanism: loss of function.

Allele frequency attached by ClinVar (database versions not stated): TOPMed below 0.00001; gnomAD 0.00001; ESP Exome Variant Server 0.00008.
gnomAD v4.1: 1 of 1,613,560 alleles (0.000062%); highest among the groups gnomAD compares: African/African-American, 0.0013%; no homozygotes.

Submission:

Labcorp Genetics (formerly Invitae), Labcorp
Classification: Uncertain significance for Familial cancer of breast. Last evaluated: 2025-11-13. Review status: criteria provided, single submitter. Criteria: Invitae Variant Classification Sherloc (09022015). Collection method: clinical testing. Allele origin: germline.
Comment: This sequence change replaces aspartic acid, which is acidic and polar, with valine, which is neutral and non-polar, at codon 952 of the PALB2 protein (p.Asp952Val). This variant is not present in population databases (gnomAD no frequency). This variant has not been reported in the literature in individuals affected with PALB2-related conditions. ClinVar contains an entry for this variant (Variation ID: 659777). Invitae Evidence Modeling of protein sequence and biophysical properties (such as structural, functional, and spatial information, amino acid conservation, physicochemical variation, residue mobility, and thermodynamic stability) has been performed for this missense variant. However, the output from this modeling did not meet the statistical confidence thresholds required to predict the impact of this variant on PALB2 protein function. In summary, the available evidence is currently insufficient to determine the role of this variant in disease. Therefore, it has been classified as a Variant of Uncertain Significance.